The following is an entry in ClinVar:

NM_020247.5(COQ8A):c.854-28C>T

Gene: COQ8A (coenzyme Q8A; plus strand). Cytogenetic location: 1q42.13.
Variant type: single nucleotide variant.
Coding change: c.854-28C>T on transcript NM_020247.5 (MANE Select); 28 bases into the intron before coding-DNA position 854, C replaced by T.
Molecular consequence: intron variant.
Genome position (GRCh38, 1-based): chr1:226,982,650, C>T. VCF-style: chr1-226982650-C-T. GRCh37 (hg19) VCF-style: chr1-227170351-C-T.
Identifiers: ClinVar variation 671705 (VCV000671705.2), dbSNP rs145767302, ClinGen allele CA1425189.

ClinVar aggregate classification (germline): Likely benign. Review status: criteria provided, multiple submitters, no conflicts (2 of 4 stars). 2 submissions from 2 submitters: Likely benign (2). Last evaluated 2018-06-16.

Allele frequency attached by ClinVar (database versions not stated): 1000 Genomes Project 30x 0.00297; 1000 Genomes Project 0.00319; TOPMed 0.00838; gnomAD 0.01058 and 0.01097; ExAC 0.01143; gnomAD exomes 0.01148 and 0.01369; ESP Exome Variant Server 0.01215.

Submissions (2):

GeneDx
Classification: Likely benign. Last evaluated: 2018-06-16. Review status: criteria provided, single submitter. Criteria: GeneDx Variant Classification (06012015). Collection method: clinical testing. Allele origin: germline. Affected: yes.
Comment: This variant is considered likely benign or benign based on one or more of the following criteria: it is a conservative change, it occurs at a poorly conserved position in the protein, it is predicted to be benign by multiple in silico algorithms, and/or has population frequency not consistent with disease.

Breakthrough Genomics
Classification: Likely benign. Review status: criteria provided, single submitter. Criteria: ACMG Guidelines, 2015. Collection method: not provided. Allele origin: germline. Inheritance: Autosomal recessive inheritance. Affected: yes.